The following is an entry in ClinVar:

ClinVar aggregate classification (germline): Uncertain significance (1 of 4 stars; one submission).

Submission:

GeneDx
Classification: Uncertain significance. Last evaluated: 2021-12-16. Review status: criteria provided, single submitter. Criteria: GeneDx Variant Classification Process June 2021. Collection method: clinical testing. Allele origin: germline. Affected: yes.
Comment: Not observed at significant frequency in large population cohorts (gnomAD); In silico analysis supports that this missense variant has a deleterious effect on protein structure/function; Has not been previously published as pathogenic or benign to our knowledge

NM_006662.3(SRCAP):c.11G>A (p.Ser4Asn)

Gene: SRCAP (Snf2 related CREBBP activator protein; plus strand). Cytogenetic location: 16p11.2.
Variant type: single nucleotide variant.
Coding change: c.11G>A on transcript NM_006662.3 (MANE Select); coding-DNA position 11, G replaced by A.
Protein change: p.Ser4Asn; replaces serine 4 with asparagine.
Molecular consequence: missense variant.
Genome position (GRCh38, 1-based): chr16:30,700,835, G>A. VCF-style: chr16-30700835-G-A. GRCh37 (hg19) VCF-style: chr16-30712156-G-A.
Other names: short protein forms S4N.
Identifiers: ClinVar variation 1691743 (VCV001691743.2), dbSNP rs2151282657, ClinGen allele CA395605315.